The following is an entry in ClinVar:

NM_033026.6(PCLO):c.1205C>T (p.Ala402Val)

Gene: PCLO (piccolo presynaptic cytomatrix protein; minus strand). Cytogenetic location: 7q21.11.
Variant type: single nucleotide variant.
Coding change: c.1205C>T on transcript NM_033026.6 (MANE Select); coding-DNA position 1205, C replaced by T.
Protein change: p.Ala402Val; replaces alanine 402 with valine.
Molecular consequence: missense variant.
Genome position (GRCh38, 1-based): chr7:83,155,436, G>A on the plus strand (C>T on the coding strand, the complement: PCLO is on the minus strand). VCF-style: chr7-83155436-G-A. GRCh37 (hg19) VCF-style: chr7-82784752-G-A.
Other names: c.1205C>T, p.Ala402Val (NM_014510.3); short protein forms A402V.
Identifiers: ClinVar variation 1901710 (VCV001901710.5), dbSNP rs2484901791, ClinGen allele CA367915062.

ClinVar aggregate classification (germline): Uncertain significance (1 of 4 stars; one submission).

Submission:

Labcorp Genetics (formerly Invitae), Labcorp
Classification: Uncertain significance. Last evaluated: 2022-06-08. Review status: criteria provided, single submitter. Criteria: Invitae Variant Classification Sherloc (09022015). Collection method: clinical testing. Allele origin: germline.
Comment: In summary, the available evidence is currently insufficient to determine the role of this variant in disease. Therefore, it has been classified as a Variant of Uncertain Significance. Algorithms developed to predict the effect of missense changes on protein structure and function output the following: SIFT: "Tolerated"; PolyPhen-2: "Possibly Damaging"; Align-GVGD: "Class C0". The valine amino acid residue is found in multiple mammalian species, which suggests that this missense change does not adversely affect protein function. This variant has not been reported in the literature in individuals affected with PCLO-related conditions. This variant is not present in population databases (gnomAD no frequency). This sequence change replaces alanine, which is neutral and non-polar, with valine, which is neutral and non-polar, at codon 402 of the PCLO protein (p.Ala402Val).